The following is an entry in ClinVar:

NM_001012339.3(DNAJC21):c.662G>A (p.Arg221Gln)

Gene: DNAJC21 (DnaJ heat shock protein family (Hsp40) member C21; plus strand). Cytogenetic location: 5p13.2.
Variant type: single nucleotide variant.
Coding change: c.662G>A on transcript NM_001012339.3 (MANE Select); coding-DNA position 662, G replaced by A.
Protein change: p.Arg221Gln; replaces arginine 221 with glutamine.
Molecular consequence: missense variant.
Genome position (GRCh38, 1-based): chr5:34,937,549, G>A. VCF-style: chr5-34937549-G-A. GRCh37 (hg19) VCF-style: chr5-34937654-G-A.
Other names: p.Arg221Gln; c.662G>A, p.Arg221Gln (NM_194283.4, NM_001348420.2); short protein forms R221Q.
Identifiers: ClinVar variation 1389968 (VCV001389968.7), dbSNP rs140595082, ClinGen allele CA3228517.

ClinVar aggregate classification (germline): Uncertain significance. Review status: criteria provided, multiple submitters, no conflicts (2 of 4 stars). 3 submissions from 3 submitters: Uncertain significance (3). Last evaluated 2026-04-01.

Allele frequency attached by ClinVar (database versions not stated): ESP Exome Variant Server 0.00008; gnomAD exomes 0.00012 and 0.00020; gnomAD 0.00013 and 0.00014; TOPMed 0.00013; ExAC 0.00024.
gnomAD v4.1: 202 of 1,613,860 alleles (0.013%); highest among the groups gnomAD compares: Non-Finnish European, 0.016%; no homozygotes.

Submissions (3):

CeGaT Center for Human Genetics Tuebingen
Classification: Uncertain significance. Last evaluated: 2026-04-01. Review status: criteria provided, single submitter. Criteria: CeGaT Center For Human Genetics Tuebingen Variant Classification Criteria Version 2. Collection method: clinical testing. Allele origin: germline. Affected: yes. Observed: 1 variant allele.
Comment: DNAJC21: PM2

Mayo Clinic Laboratories, Mayo Clinic
Classification: Uncertain significance. Last evaluated: 2025-10-06. Review status: criteria provided, single submitter. Criteria: ACMG Guidelines, 2015. Collection method: clinical testing. Allele origin: germline. Observed: 1 variant allele.
Comment: BP4_moderate

Labcorp Genetics (formerly Invitae), Labcorp
Classification: Uncertain significance. Last evaluated: 2024-12-31. Review status: criteria provided, single submitter. Criteria: Invitae Variant Classification Sherloc (09022015). Collection method: clinical testing. Allele origin: germline.
Comment: This sequence change replaces arginine, which is basic and polar, with glutamine, which is neutral and polar, at codon 221 of the DNAJC21 protein (p.Arg221Gln). This variant is present in population databases (rs140595082, gnomAD 0.04%). This variant has not been reported in the literature in individuals affected with DNAJC21-related conditions. ClinVar contains an entry for this variant (Variation ID: 1389968). An algorithm developed to predict the effect of missense changes on protein structure and function (PolyPhen-2) suggests that this variant¬†is likely to be tolerated. In summary, the available evidence is currently insufficient to determine the role of this variant in disease. Therefore, it has been classified as a Variant of Uncertain Significance.